The following is an entry in ClinVar:

NM_177433.3(MAGED2):c.769C>T (p.Arg257Cys)

Gene: MAGED2 (MAGE family member D2; plus strand). Cytogenetic location: Xp11.21.
Variant type: single nucleotide variant.
Coding change: c.769C>T on transcript NM_177433.3 (MANE Select); coding-DNA position 769, C replaced by T.
Protein change: p.Arg257Cys; replaces arginine 257 with cysteine.
Molecular consequence: missense variant.
Genome position (GRCh38, 1-based): chrX:54,811,052, C>T. VCF-style: chrX-54811052-C-T. GRCh37 (hg19) VCF-style: chrX-54837485-C-T.
Other names: c.769C>T, p.Arg257Cys (NM_014599.6, NM_201222.3); short protein forms R257C.
Identifiers: ClinVar variation 1308073 (VCV001308073.2), dbSNP rs1274075985, ClinGen allele CA413268927.
Genomic context (GRCh38, chrX:54,811,052, plus strand): 5'-TGGGCCCGGAGAGCCTTGCTCTCCCTGAGATCACCTAAAGCCCGTAGGGGCAAGGCTCGC[C>T]GTAGAGCTGCCAAGCTCCAGTCATCCCAAGAGCCTGAAGCACCACCACCTCGGGATGTGG-3'
Protein context (NP_803182.1, residues 247-267): SPKARRGKAR[Arg257Cys]RAAKLQSSQE

ClinVar aggregate classification (germline): Uncertain significance (1 of 4 stars; one submission).

Allele frequency attached by ClinVar (database versions not stated): gnomAD exomes below 0.00001 and 0.00001; TOPMed below 0.00001.

Submission:

GeneDx
Classification: Uncertain significance. Last evaluated: 2020-06-01. Review status: criteria provided, single submitter. Criteria: GeneDx Variant Classification Process June 2021. Collection method: clinical testing. Allele origin: germline. Affected: yes.
Comment: Not observed at a significant frequency in large population cohorts (Lek et al., 2016); In silico analysis, which includes protein predictors and evolutionary conservation, supports a deleterious effect; Has not been previously published as pathogenic or benign to our knowledge